The following is an entry in ClinVar:

NM_024408.4(NOTCH2):c.1316C>T (p.Ala439Val)

Gene: NOTCH2 (notch receptor 2; minus strand). Cytogenetic location: 1p12.
Variant type: single nucleotide variant.
Coding change: c.1316C>T on transcript NM_024408.4 (MANE Select); coding-DNA position 1316, C replaced by T.
Protein change: p.Ala439Val; replaces alanine 439 with valine.
Molecular consequence: missense variant.
Genome position (GRCh38, 1-based): chr1:119,967,570, G>A on the plus strand (C>T on the coding strand, the complement: NOTCH2 is on the minus strand). VCF-style: chr1-119967570-G-A. GRCh37 (hg19) VCF-style: chr1-120510193-G-A.
Other names: c.1316C>T (NM_024408.3); c.1316C>T, p.Ala439Val (NM_001200001.2); short protein forms A439V.
Identifiers: ClinVar variation 4772457 (VCV004772457.2).

ClinVar aggregate classification (germline): Uncertain significance. Review status: criteria provided, multiple submitters, no conflicts (2 of 4 stars). 2 submissions from 2 submitters: Uncertain significance (2). Last evaluated 2026-05-06.

Conditions:
Hajdu-Cheney syndrome (HJCYS). Also called: ACROOSTEOLYSIS WITH OSTEOPOROSIS AND CHANGES IN SKULL AND MANDIBLE; SERPENTINE FIBULA-POLYCYSTIC KIDNEY SYNDROME; Acroosteolysis dominant type. Identifiers: Orphanet 955, MedGen C0917715, MONDO:0007057, OMIM 102500.
NOTCH2-related disorder. Also called: NOTCH2-related condition.

gnomAD v4.1: 2 of 1,613,950 alleles (0.00012%); highest among the groups gnomAD compares: African/African-American, 0.0027%; no homozygotes.

Submissions (2):

PreventionGenetics, part of Exact Sciences
Classification: Uncertain significance for NOTCH2-related condition. Last evaluated: 2026-05-06. Review status: criteria provided, single submitter. Criteria: ACMG Guidelines, 2015. Collection method: clinical testing. Allele origin: germline.
Comment: The NOTCH2 c.1316C>T variant is predicted to result in the amino acid substitution p.Ala439Val. To our knowledge, this variant has not been reported in the literature. This variant is reported in 0.011% of alleles in individuals of African descent in gnomAD. At this time, the clinical significance of this variant is uncertain due to the absence of conclusive functional and genetic evidence.

Labcorp Genetics (formerly Invitae), Labcorp
Classification: Uncertain significance for Hajdu-Cheney syndrome. Last evaluated: 2025-07-31. Review status: criteria provided, single submitter. Criteria: Invitae Variant Classification Sherloc (09022015). Collection method: clinical testing. Allele origin: germline.
Comment: This sequence change replaces alanine, which is neutral and non-polar, with valine, which is neutral and non-polar, at codon 439 of the NOTCH2 protein (p.Ala439Val). This variant is present in population databases (no rsID available, gnomAD 0.01%). This variant has not been reported in the literature in individuals affected with NOTCH2-related conditions. Invitae Evidence Modeling of protein sequence and biophysical properties (such as structural, functional, and spatial information, amino acid conservation, physicochemical variation, residue mobility, and thermodynamic stability) indicates that this missense variant is not expected to disrupt NOTCH2 protein function with a negative predictive value of 80%. In summary, the available evidence is currently insufficient to determine the role of this variant in disease. Therefore, it has been classified as a Variant of Uncertain Significance.